The following is an entry in ClinVar:

ClinVar aggregate classification (germline): Conflicting classifications of pathogenicity. Review status: criteria provided, conflicting classifications (1 of 4 stars). 2 submissions from 2 submitters: Likely pathogenic (1); Uncertain significance (1). Last evaluated 2026-09-17.

Conditions:
Age related macular degeneration 4. Identifiers: MedGen C1853147, MONDO:0012540, OMIM 610698.
Atypical hemolytic-uremic syndrome. Identifiers: Orphanet 2134, MedGen C2931788, MONDO:0016244.
Hemolytic uremic syndrome, atypical, susceptibility to, 1. Also called: AHUS, SUSCEPTIBILITY TO, 1. Identifiers: Orphanet 2134, Orphanet 90038, MedGen C2749604, MONDO:0009335, OMIM 235400. Disease mechanism: Other.
Factor H deficiency (CFHD). Also called: COMPLEMENT FACTOR H DEFICIENCY; CFH DEFICIENCY. Identifiers: Orphanet 200421, MedGen C0398777, MONDO:0012350, OMIM 609814.
Basal laminar drusen. Also called: DRUSEN OF BRUCH MEMBRANE; DRUSEN, CUTICULAR; DRUSEN, EARLY ADULT-ONSET, GROUPED. Identifiers: Orphanet 75376, MedGen C0730295, MONDO:0007472, OMIM 126700.

gnomAD v4.1: 10 of 1,613,946 alleles (0.00062%); highest among the groups gnomAD compares: African/African-American, 0.0027%; no homozygotes.

Submissions (2):

Genomenon, Inc
Classification: Likely pathogenic for Age related macular degeneration 4; Atypical hemolytic-uremic syndrome. Last evaluated: 2026-09-17. Review status: criteria provided, single submitter. Criteria: Genomenon Sequence Variant Interpretation Standards - Updated. Collection method: curation. Allele origin: germline. Affected: yes.
Comment: CFH p.Ala1010Val (c.3029C>T) is a missense variant that changes the amino acid at codon 1010 from alanine to valine. This variant has been observed in at least one proband affected with a CFH-related disorder (PMID: 26501415; 29888403). It is absent or not present at a significant frequency in gnomAD. In silico models predict that this variant is possibly or probably damaging. In conclusion, we classify CFH p.Ala1010Val (c.3029C>T) as a likely pathogenic variant.

Fulgent Genetics
Classification: Uncertain significance for Basal laminar drusen; Hemolytic uremic syndrome, atypical, susceptibility to, 1; Factor H deficiency; Age related macular degeneration 4. Last evaluated: 2024-01-29. Review status: criteria provided, single submitter. Criteria: ACMG Guidelines, 2015. Collection method: clinical testing. Allele origin: germline.

Literature cited by the submitters: PubMed 26501415 (cited by Genomenon, Inc); PubMed 29888403 (cited by Genomenon, Inc).

NM_000186.4(CFH):c.3029C>T (p.Ala1010Val)

Gene: CFH (complement factor H; plus strand). Cytogenetic location: 1q31.3.
Variant type: single nucleotide variant.
Coding change: c.3029C>T on transcript NM_000186.4 (MANE Select); coding-DNA position 3029, C replaced by T.
Protein change: p.Ala1010Val; replaces alanine 1010 with valine.
Molecular consequence: missense variant.
Genome position (GRCh38, 1-based): chr1:196,741,947, C>T. VCF-style: chr1-196741947-C-T. GRCh37 (hg19) VCF-style: chr1-196711077-C-T.
Other names: short protein forms A1010V.
Identifiers: ClinVar variation 3575553 (VCV003575553.3).
Genomic context (GRCh38, chr1:196,741,947, plus strand): 5'-TCAGTTTACCTAGCTTTGAAAATGCCATACCCATGGGAGAGAAGAAGGATGTGTATAAGG[C>T]GGGTGAGCAAGTGACTTACACTTGTGCAACATATTACAAAATGGATGGAGCCAGTAATGT-3'
Protein context (NP_000177.2, residues 1000-1020): PMGEKKDVYK[Ala1010Val]GEQVTYTCAT